The following is an entry in ClinVar:

NM_020312.4(COQ9):c.242+250C>A

Gene: COQ9 (coenzyme Q9; plus strand). Cytogenetic location: 16q21.
Variant type: single nucleotide variant.
Coding change: c.242+250C>A on transcript NM_020312.4 (MANE Select); 250 bases into the intron after coding-DNA position 242, C replaced by A.
Molecular consequence: intron variant.
Genome position (GRCh38, 1-based): chr16:57,451,458, C>A. VCF-style: chr16-57451458-C-A. GRCh37 (hg19) VCF-style: chr16-57485370-C-A.
Identifiers: ClinVar variation 673667 (VCV000673667.1), dbSNP rs8044899, ClinGen allele CA14337519.
Genomic context (GRCh38, chr16:57,451,458, plus strand): 5'-CTAGATTTCAAGCTGTCCTCCGCCTAGATCTCCCAAAGTGTTGGGATTACAGGTGTGAGC[C>A]ACTGCACCCAGCCACAAGGCTGTCTTAGGAAAGAACCTATTGTTTTTATAAAATTGGTGC-3'

ClinVar aggregate classification (germline): Likely benign (1 of 4 stars; one submission).

Allele frequency attached by ClinVar (database versions not stated): gnomAD 0.01428 and 0.01552; 1000 Genomes Project 0.01577; TOPMed 0.01675; 1000 Genomes Project 30x 0.01749.
gnomAD v4.1: 2,164 of 152,306 alleles (1.4%); highest among the groups gnomAD compares: African/African-American, 4.8%; 56 homozygotes.

Submission:

GeneDx
Classification: Likely benign. Last evaluated: 2018-06-16. Review status: criteria provided, single submitter. Criteria: GeneDx Variant Classification (06012015). Collection method: clinical testing. Allele origin: germline. Affected: yes.
Comment: This variant is considered likely benign or benign based on one or more of the following criteria: it is a conservative change, it occurs at a poorly conserved position in the protein, it is predicted to be benign by multiple in silico algorithms, and/or has population frequency not consistent with disease.